The following is an entry in ClinVar:

NM_000238.4(KCNH2):c.3331-13GT[2]

Gene: KCNH2 (potassium voltage-gated channel subfamily H member 2; minus strand). Cytogenetic location: 7q36.1.
Variant type: Microsatellite.
Coding change: c.3331-13GT[2] on transcript NM_000238.4 (MANE Select); two copies in a row of the 2-base unit GT starting at c.3331-13; the reference has three copies in a row; one copy, 2 bases deleted.
Molecular consequence: intron variant.
Genome position (GRCh38, 1-based): chr7:150,945,522-150,945,523, AC deleted on the plus strand (GT on the coding strand, the reverse complement: KCNH2 is on the minus strand); deleting any 2 consecutive bases within chr7:150,945,522-150,945,528 gives the same sequence; the position shown is the placement nearest the transcript's 3' end. VCF-style (leftmost placement, unchanged base first): chr7-150945521-TAC-T. GRCh37 (hg19) VCF-style: chr7-150642609-TAC-T.
Other names: p.?; c.3331-9_3331-8delGT (NM_000238.3, NM_000238.2); c.2311-13GT[2] (NM_172057.3); c.3331-9_3331-8del (NM_000238.4).
Identifiers: ClinVar variation 200266 (VCV000200266.34), dbSNP rs41313749, ClinGen allele CA008211.

ClinVar aggregate classification (germline): Benign/Likely benign. Review status: criteria provided, multiple submitters, no conflicts (2 of 4 stars). 9 submissions from 9 submitters: Benign (8); Likely benign (1). Last evaluated 2026-02-03.

Conditions:
Cardiac arrhythmia. Also called: Cardiac rhythm disease; Arrhythmia. Identifiers: MedGen C0003811, MONDO:0007263, HP:0011675.
Long QT syndrome 2 (LQT2). Identifiers: Orphanet 101016, Orphanet 768, MedGen C3150943, MONDO:0013367, OMIM 613688.
Short QT syndrome type 1. Identifiers: Orphanet 51083, MedGen C1865020, MONDO:0012312, OMIM 609620.
Long QT syndrome (LQTS). Identifiers: MedGen C0023976, MeSH D008133, MONDO:0002442. Disease mechanism: loss of function. Inheritance: Various modes of inheritance.

Submissions (9):

Labcorp Genetics (formerly Invitae), Labcorp
Classification: Benign for Long QT syndrome. Last evaluated: 2026-02-03. Review status: criteria provided, single submitter. Criteria: Invitae Variant Classification Sherloc (09022015). Collection method: clinical testing. Allele origin: germline.

ARUP Laboratories, Molecular Genetics and Genomics, ARUP Laboratories
Classification: Benign. Last evaluated: 2025-04-14. Review status: criteria provided, single submitter. Criteria: ARUP Molecular Germline Variant Investigation Process 2024. Collection method: clinical testing. Allele origin: germline.

Molecular Diagnostic Laboratory for Inherited Cardiovascular Disease, Montreal Heart Institute
Classification: Benign. Last evaluated: 2025-04-09. Review status: criteria provided, single submitter. Criteria: ACMG Guidelines, 2015. Collection method: clinical testing. Allele origin: germline. Affected: no.

Fulgent Genetics
Classification: Likely benign for Short QT syndrome type 1; Long QT syndrome 2. Last evaluated: 2022-02-15. Review status: criteria provided, single submitter. Criteria: ACMG Guidelines, 2015. Collection method: clinical testing. Allele origin: unknown.

Women's Health and Genetics/Laboratory Corporation of America, LabCorp
Classification: Benign. Last evaluated: 2019-09-03. Review status: criteria provided, single submitter. Criteria: LabCorp Variant Classification Summary - May 2015. Collection method: clinical testing. Allele origin: germline.
Comment: Variant summary: KCNH2 c.3331-9_3331-8delGT alters a nucleotide located close to a canonical splice site and therefore could affect mRNA splicing, leading to a significantly altered protein sequence. 5/5 computational tools predict no significant impact on normal splicing. However, these predictions have yet to be confirmed by functional studies. The variant allele was found at a frequency of 0.0037 in 161778 control chromosomes, predominantly at a frequency of 0.055 within the African or African-American subpopulation in the gnomAD database, including 19 homozygotes. The observed variant frequency within African or African-American control individuals in the gnomAD database is approximately 550 fold of the estimated maximal expected allele frequency for a pathogenic variant in KCNH2 causing Arrhythmia phenotype (0.0001), strongly suggesting that the variant is a benign polymorphism found primarily in populations of African or African-American origin. Four ClinVar submitters (evaluation after 2014) cite the variant as benign (3x) and once as likely benign. Based on the evidence outlined above, the variant was classified as benign.

Color Diagnostics, LLC DBA Color Health
Classification: Benign for Arrhythmia. Last evaluated: 2018-03-15. Review status: criteria provided, single submitter. Criteria: ACMG Guidelines, 2015. Collection method: clinical testing. Allele origin: germline.

Athena Diagnostics
Classification: Benign. Last evaluated: 2017-07-05. Review status: criteria provided, single submitter. Criteria: Athena Diagnostics Criteria. Collection method: clinical testing. Allele origin: germline.

Mayo Clinic Laboratories, Mayo Clinic
Classification: Benign. Last evaluated: 2015-12-04. Review status: criteria provided, single submitter. Criteria: ACMG Guidelines, 2015. Collection method: clinical testing. Allele origin: germline. Observed: 17 variant alleles.

GeneDx
Classification: Benign. Last evaluated: 2013-03-19. Review status: criteria provided, single submitter. Criteria: GeneDx Variant Classification (06012015). Collection method: clinical testing. Allele origin: germline. Affected: yes.
Comment: This variant is considered likely benign or benign based on one or more of the following criteria: it is a conservative change, it occurs at a poorly conserved position in the protein, it is predicted to be benign by multiple in silico algorithms, and/or has population frequency not consistent with disease.

Literature cited by the submitters: PubMed 20851114 (cited by Athena Diagnostics).